The following is an entry in ClinVar:

ClinVar aggregate classification (germline): Uncertain significance (1 of 4 stars; one submission).

Submission:

CeGaT Center for Human Genetics Tuebingen
Classification: Uncertain significance. Last evaluated: 2022-07-01. Review status: criteria provided, single submitter. Criteria: CeGaT Center For Human Genetics Tuebingen Variant Classification Criteria Version 2. Collection method: clinical testing. Allele origin: germline. Affected: yes. Observed: 1 variant allele.
Comment: JMJD1C: PM2, BP4

NM_032776.3(JMJD1C):c.6628T>C (p.Ser2210Pro)

Gene: JMJD1C (jumonji domain containing 1C; minus strand). Cytogenetic location: 10q21.3.
Variant type: single nucleotide variant.
Coding change: c.6628T>C on transcript NM_032776.3 (MANE Select); coding-DNA position 6628, T replaced by C.
Protein change: p.Ser2210Pro; replaces serine 2210 with proline.
Molecular consequence: missense variant. On other transcripts: non-coding transcript variant (1).
Genome position (GRCh38, 1-based): chr10:63,186,326, A>G on the plus strand (T>C on the coding strand, the complement: JMJD1C is on the minus strand). VCF-style: chr10-63186326-A-G. GRCh37 (hg19) VCF-style: chr10-64946086-A-G.
Other names: c.6082T>C, p.Ser2028Pro (NM_001282948.2, NM_001318154.2); c.5764T>C, p.Ser1922Pro (NM_001318153.2); c.6514T>C, p.Ser2172Pro (NM_001322252.2); c.5971T>C, p.Ser1991Pro (NM_001322254.2, NM_001322258.2); short protein forms S1922P, S1991P, S2028P, S2172P, S2210P.
Identifiers: ClinVar variation 2640507 (VCV002640507.24), dbSNP rs2492363700, ClinGen allele CA377022445.